The following is an entry in ClinVar:

NM_006904.7(PRKDC):c.1745C>T (p.Thr582Ile)

Gene: PRKDC (protein kinase, DNA-activated, catalytic subunit; minus strand). Cytogenetic location: 8q11.21.
Variant type: single nucleotide variant.
Coding change: c.1745C>T on transcript NM_006904.7 (MANE Select); coding-DNA position 1745, C replaced by T.
Protein change: p.Thr582Ile; replaces threonine 582 with isoleucine.
Molecular consequence: missense variant.
Genome position (GRCh38, 1-based): chr8:47,933,051, G>A on the plus strand (C>T on the coding strand, the complement: PRKDC is on the minus strand). VCF-style: chr8-47933051-G-A. GRCh37 (hg19) VCF-style: chr8-48845611-G-A.
Other names: c.1745C>T, p.Thr582Ile (NM_001081640.2); short protein forms T582I.
Identifiers: ClinVar variation 1521179 (VCV001521179.5), dbSNP rs754704193, ClinGen allele CA4741650.

ClinVar aggregate classification (germline): Uncertain significance. Review status: criteria provided, multiple submitters, no conflicts (2 of 4 stars). 2 submissions from 2 submitters: Uncertain significance (2). Last evaluated 2022-10-28.

Conditions:
Severe combined immunodeficiency due to DNA-PKcs deficiency. Also called: IMMUNODEFICIENCY 26 WITH NEUROLOGIC ABNORMALITIES; Immunodeficiency 26 with or without neurologic abnormalities. Identifiers: Orphanet 317425, MedGen C4014833, MONDO:0014423, OMIM 615966.

Allele frequency attached by ClinVar (database versions not stated): TOPMed below 0.00001; ExAC 0.00001; gnomAD 0.00001; gnomAD exomes 0.00001.
gnomAD v4.1: 8 of 1,598,134 alleles (0.0005%); highest among the groups gnomAD compares: Non-Finnish European, 0.00068%; no homozygotes.

Submissions (2):

Ambry Genetics
Classification: Uncertain significance. Last evaluated: 2022-10-28. Review status: criteria provided, single submitter. Criteria: Ambry Variant Classification Scheme 2023. Collection method: clinical testing. Allele origin: germline.
Comment: The p.T582I variant (also known as c.1745C>T), located in coding exon 16 of the PRKDC gene, results from a C to T substitution at nucleotide position 1745. The threonine at codon 582 is replaced by isoleucine, an amino acid with similar properties. This amino acid position is conserved. In addition, this alteration is predicted to be tolerated by in silico analysis. Since supporting evidence is limited at this time, the clinical significance of this alteration remains unclear.

Labcorp Genetics (formerly Invitae), Labcorp
Classification: Uncertain significance for Severe combined immunodeficiency due to DNA-PKcs deficiency. Last evaluated: 2021-04-06. Review status: criteria provided, single submitter. Criteria: Invitae Variant Classification Sherloc (09022015). Collection method: clinical testing. Allele origin: germline.
Comment: This sequence change replaces threonine with isoleucine at codon 582 of the PRKDC protein (p.Thr582Ile). The threonine residue is moderately conserved and there is a moderate physicochemical difference between threonine and isoleucine. This variant is present in population databases (rs754704193, ExAC 0.003%). This variant has not been reported in the literature in individuals with PRKDC-related conditions. Experimental studies and prediction algorithms are not available or were not evaluated, and the functional significance of this variant is currently unknown. In summary, the available evidence is currently insufficient to determine the role of this variant in disease. Therefore, it has been classified as a Variant of Uncertain Significance.